The following is an entry in ClinVar:

ClinVar aggregate classification (germline): Uncertain significance (1 of 4 stars; one submission).

Allele frequency attached by ClinVar (database versions not stated): gnomAD exomes below 0.00001.
gnomAD v4.1: 3 of 1,613,704 alleles (0.00019%); highest among the groups gnomAD compares: Non-Finnish European, 0.00025%; no homozygotes.

Submission:

Ambry Genetics
Classification: Uncertain significance. Last evaluated: 2022-04-26. Review status: criteria provided, single submitter. Criteria: Ambry Variant Classification Scheme 2023. Collection method: clinical testing. Allele origin: germline.
Comment: The p.V2486I variant (also known as c.7456G>A), located in coding exon 28 of the POLQ gene, results from a G to A substitution at nucleotide position 7456. The valine at codon 2486 is replaced by isoleucine, an amino acid with highly similar properties. This amino acid position is conserved. In addition, the in silico prediction for this alteration is inconclusive. Since supporting evidence is limited at this time, the clinical significance of this alteration remains unclear.

NM_199420.4(POLQ):c.7456G>A (p.Val2486Ile)

Gene: POLQ (DNA polymerase theta; minus strand). Cytogenetic location: 3q13.33.
Variant type: single nucleotide variant.
Coding change: c.7456G>A on transcript NM_199420.4 (MANE Select); coding-DNA position 7456, G replaced by A.
Protein change: p.Val2486Ile; replaces valine 2486 with isoleucine.
Molecular consequence: missense variant.
Genome position (GRCh38, 1-based): chr3:121,436,209, C>T on the plus strand (G>A on the coding strand, the complement: POLQ is on the minus strand). VCF-style: chr3-121436209-C-T. GRCh37 (hg19) VCF-style: chr3-121155056-C-T.
Other names: short protein forms V2486I.
Identifiers: ClinVar variation 1758991 (VCV001758991.2), dbSNP rs2546747287, ClinGen allele CA354095979.